The following is an entry in ClinVar:

ClinVar aggregate classification (germline): Uncertain significance. Review status: criteria provided, multiple submitters, no conflicts (2 of 4 stars). 2 submissions from 2 submitters: Uncertain significance (2). Last evaluated 2025-03-31.

Conditions:
Inborn genetic diseases. Identifiers: MedGen C0950123, MeSH D030342.

Allele frequency attached by ClinVar (database versions not stated): ExAC 0.00012.

Submissions (2):

Ambry Genetics
Classification: Uncertain significance for Inborn genetic diseases. Last evaluated: 2025-03-31. Review status: criteria provided, single submitter. Criteria: Ambry Variant Classification Scheme 2023. Collection method: clinical testing. Allele origin: germline.

Labcorp Genetics (formerly Invitae), Labcorp
Classification: Uncertain significance. Last evaluated: 2024-12-27. Review status: criteria provided, single submitter. Criteria: Invitae Variant Classification Sherloc (09022015). Collection method: clinical testing. Allele origin: germline.
Comment: This sequence change replaces proline, which is neutral and non-polar, with leucine, which is neutral and non-polar, at codon 201 of the TCF3 protein (p.Pro201Leu). The frequency data for this variant in the population databases is considered unreliable, as metrics indicate poor data quality at this position in the gnomAD database. This variant has not been reported in the literature in individuals affected with TCF3-related conditions. ClinVar contains an entry for this variant (Variation ID: 1426140). Invitae Evidence Modeling of protein sequence and biophysical properties (such as structural, functional, and spatial information, amino acid conservation, physicochemical variation, residue mobility, and thermodynamic stability) indicates that this missense variant is expected to disrupt TCF3 protein function with a positive predictive value of 80%. In summary, the available evidence is currently insufficient to determine the role of this variant in disease. Therefore, it has been classified as a Variant of Uncertain Significance.

NM_003200.5(TCF3):c.602C>T (p.Pro201Leu)

Gene: TCF3 (transcription factor 3; minus strand). Cytogenetic location: 19p13.3.
Variant type: single nucleotide variant.
Coding change: c.602C>T on transcript NM_003200.5 (MANE Select); coding-DNA position 602, C replaced by T.
Protein change: p.Pro201Leu; replaces proline 201 with leucine.
Molecular consequence: missense variant.
Genome position (GRCh38, 1-based): chr19:1,622,363, G>A on the plus strand (C>T on the coding strand, the complement: TCF3 is on the minus strand). VCF-style: chr19-1622363-G-A. GRCh37 (hg19) VCF-style: chr19-1622362-G-A.
Other names: c.602C>T, p.Pro201Leu (NM_001136139.4, NM_001351778.2, NM_001351779.2); c.602C>T (NM_003200.3); short protein forms P201L.
Identifiers: ClinVar variation 1426140 (VCV001426140.8), dbSNP rs770464889, ClinGen allele CA9050299.